The following is an entry in ClinVar:

NM_000135.4(FANCA):c.1300G>A (p.Val434Met)

Gene: FANCA (FA complementation group A; minus strand). Cytogenetic location: 16q24.3.
Variant type: single nucleotide variant.
Coding change: c.1300G>A on transcript NM_000135.4 (MANE Select); coding-DNA position 1300, G replaced by A.
Protein change: p.Val434Met; replaces valine 434 with methionine.
Molecular consequence: missense variant.
Genome position (GRCh38, 1-based): chr16:89,791,462, C>T on the plus strand (G>A on the coding strand, the complement: FANCA is on the minus strand). VCF-style: chr16-89791462-C-T. GRCh37 (hg19) VCF-style: chr16-89857870-C-T.
Other names: c.1300G>A, p.Val434Met (NM_001286167.3); short protein forms V434M.
Identifiers: ClinVar variation 2859172 (VCV002859172.4), dbSNP rs2544270622, ClinGen allele CA397463989.
Genomic context (GRCh38, chr16:89,791,462, plus strand): 5'-CCTTGAACCAGTCTGCATATGACAGGAACGCAGAGGGGCCCTCCAGTGCTGCCTGGCGCA[C>T]AACCAGGAACGCAGTGACCATGCTGTCCAGCTGGCAGCTCTCGAATGCCTGGGCCATCAA-3'
Protein context (NP_000126.2, residues 424-444): LDSMVTAFLV[Val434Met]RQAALEGPSA

ClinVar aggregate classification (germline): Uncertain significance. Review status: criteria provided, multiple submitters, no conflicts (2 of 4 stars). 2 submissions from 2 submitters: Uncertain significance (2). Last evaluated 2025-05-02.

Conditions:
Inborn genetic diseases. Identifiers: MedGen C0950123, MeSH D030342.
Fanconi anemia (FA). Also called: Fanconi's anemia. Identifiers: Orphanet 84, MedGen C0015625, MeSH D005199, MONDO:0019391.

Allele frequency attached by ClinVar (database versions not stated): gnomAD exomes below 0.00001.
gnomAD v4.1: 2 of 1,614,146 alleles (0.00012%); highest among the groups gnomAD compares: Non-Finnish European, 0.00017%; no homozygotes.

Submissions (2):

Ambry Genetics
Classification: Uncertain significance for Inborn genetic diseases. Last evaluated: 2025-05-02. Review status: criteria provided, single submitter. Criteria: Ambry Variant Classification Scheme 2023. Collection method: clinical testing. Allele origin: germline.
Comment: The p.V434M variant (also known as c.1300G>A), located in coding exon 14 of the FANCA gene, results from a G to A substitution at nucleotide position 1300. The valine at codon 434 is replaced by methionine, an amino acid with highly similar properties. This amino acid position is conserved. In addition, the in silico prediction for this alteration is inconclusive. Based on the available evidence, the clinical significance of this variant remains unclear.

Labcorp Genetics (formerly Invitae), Labcorp
Classification: Uncertain significance for Fanconi anemia. Last evaluated: 2023-10-22. Review status: criteria provided, single submitter. Criteria: Invitae Variant Classification Sherloc (09022015). Collection method: clinical testing. Allele origin: germline.
Comment: This sequence change replaces valine, which is neutral and non-polar, with methionine, which is neutral and non-polar, at codon 434 of the FANCA protein (p.Val434Met). This variant is not present in population databases (gnomAD no frequency). This variant has not been reported in the literature in individuals affected with FANCA-related conditions. Advanced modeling of protein sequence and biophysical properties (such as structural, functional, and spatial information, amino acid conservation, physicochemical variation, residue mobility, and thermodynamic stability) performed at Invitae indicates that this missense variant is expected to disrupt FANCA protein function. In summary, the available evidence is currently insufficient to determine the role of this variant in disease. Therefore, it has been classified as a Variant of Uncertain Significance.